The following is an entry in ClinVar:

NM_001378454.1(ALMS1):c.5087G>A (p.Gly1696Glu)

Gene: ALMS1 (ALMS1 centrosome and basal body associated protein; plus strand). Cytogenetic location: 2p13.1.
Variant type: single nucleotide variant.
Coding change: c.5087G>A on transcript NM_001378454.1 (MANE Select); coding-DNA position 5087, G replaced by A.
Protein change: p.Gly1696Glu; replaces glycine 1696 with glutamic acid.
Molecular consequence: missense variant.
Genome position (GRCh38, 1-based): chr2:73,451,614, G>A. VCF-style: chr2-73451614-G-A. GRCh37 (hg19) VCF-style: chr2-73678741-G-A.
Other names: c.5090G>A, p.Gly1697Glu (NM_015120.4); short protein forms G1696E, G1697E.
Identifiers: ClinVar variation 1745274 (VCV001745274.7), dbSNP rs780915775, ClinGen allele CA1713821.

ClinVar aggregate classification (germline): Uncertain significance. Review status: criteria provided, multiple submitters, no conflicts (2 of 4 stars). 4 submissions from 4 submitters: Uncertain significance (4). Last evaluated 2025-11-17.

Conditions:
Alstrom syndrome (ALMS). Identifiers: Orphanet 64, MedGen C0268425, MONDO:0008763, OMIM 203800.
Cardiovascular phenotype. Identifiers: MedGen CN230736.

Allele frequency attached by ClinVar (database versions not stated): ExAC 0.00002; TOPMed 0.00003; gnomAD 0.00004.
gnomAD v4.1: 140 of 1,613,840 alleles (0.0087%); highest among the groups gnomAD compares: Non-Finnish European, 0.011%; no homozygotes.

Submissions (4):

Women's Health and Genetics/Laboratory Corporation of America, LabCorp
Classification: Uncertain significance. Last evaluated: 2025-11-17. Review status: criteria provided, single submitter. Criteria: LabCorp Variant Classification Summary - May 2015. Collection method: clinical testing. Allele origin: germline.

Ambry Genetics
Classification: Uncertain significance for Cardiovascular phenotype. Last evaluated: 2025-09-22. Review status: criteria provided, single submitter. Criteria: Ambry Variant Classification Scheme 2023. Collection method: clinical testing. Allele origin: germline.
Comment: The p.G1697E variant (also known as c.5090G>A), located in coding exon 8 of the ALMS1 gene, results from a G to A substitution at nucleotide position 5090. The glycine at codon 1697 is replaced by glutamic acid, an amino acid with similar properties. This amino acid position is not well conserved in available vertebrate species. In addition, this alteration is predicted to be tolerated by in silico analysis. Based on the available evidence, the clinical significance of this variant remains unclear.

Department of Pathology and Laboratory Medicine, Sinai Health System
Classification: Uncertain significance for Alstrom syndrome. Last evaluated: 2023-09-18. Review status: criteria provided, single submitter. Criteria: ACMG Guidelines, 2015. Collection method: research. Allele origin: germline.

Labcorp Genetics (formerly Invitae), Labcorp
Classification: Uncertain significance for Alstrom syndrome. Last evaluated: 2022-07-20. Review status: criteria provided, single submitter. Criteria: Invitae Variant Classification Sherloc (09022015). Collection method: clinical testing. Allele origin: germline.
Comment: This sequence change replaces glycine, which is neutral and non-polar, with glutamic acid, which is acidic and polar, at codon 1697 of the ALMS1 protein (p.Gly1697Glu). This variant is present in population databases (rs780915775, gnomAD 0.009%). This variant has not been reported in the literature in individuals affected with ALMS1-related conditions. Algorithms developed to predict the effect of missense changes on protein structure and function output the following: SIFT: "Not Available"; PolyPhen-2: "Not Available"; Align-GVGD: "Not Available". The glutamic acid amino acid residue is found in multiple mammalian species, which suggests that this missense change does not adversely affect protein function. In summary, the available evidence is currently insufficient to determine the role of this variant in disease. Therefore, it has been classified as a Variant of Uncertain Significance.